The following is an entry in ClinVar:

NM_024589.3(ROGDI):c.695dup (p.Glu233fs)

Gene: ROGDI (rogdi atypical leucine zipper; minus strand). Cytogenetic location: 16p13.3.
Variant type: Duplication.
Coding change: c.695dup on transcript NM_024589.3 (MANE Select); coding-DNA position 695, one base duplicated (T; older notation c.695dupT).
Protein change: p.Glu233fs; shifts the reading frame from glutamic acid 233.
Molecular consequence: frameshift variant. On other transcripts: non-coding transcript variant (1).
Genome position (GRCh38, 1-based): chr16:4,797,938, A duplicated on the plus strand (T on the coding strand, the reverse complement: ROGDI is on the minus strand); the first of 2 consecutive A bases (chr16:4,797,938-4,797,939); duplicating either gives the same sequence. VCF-style (leftmost placement, unchanged base first): chr16-4797937-C-CA. GRCh37 (hg19) VCF-style: chr16-4847938-C-CA.
Other names: short protein forms E233fs.
Identifiers: ClinVar variation 2041089 (VCV002041089.4), dbSNP rs2505714764, ClinGen allele CA2580091165.

ClinVar aggregate classification (germline): Uncertain significance (1 of 4 stars; one submission).

Conditions:
Amelocerebrohypohidrotic syndrome (KTZS). Also called: EPILEPSY AND YELLOW TEETH; EPILEPSY, DEMENTIA, AND AMELOGENESIS IMPERFECTA; KOHLSCHUTTER SYNDROME; Kohlschutter's syndrome. Identifiers: Orphanet 1946, MedGen C0406740, MONDO:0009185, OMIM 226750.

Submission:

Labcorp Genetics (formerly Invitae), Labcorp
Classification: Uncertain significance for Amelocerebrohypohidrotic syndrome. Last evaluated: 2021-12-12. Review status: criteria provided, single submitter. Criteria: Invitae Variant Classification Sherloc (09022015). Collection method: clinical testing. Allele origin: germline.
Comment: This sequence change results in a frameshift in the ROGDI gene (p.Glu233Argfs*99). While this is not anticipated to result in nonsense mediated decay, it is expected to disrupt the last 55 amino acid(s) of the ROGDI protein and extend the protein by 43 additional amino acid residues. This variant is not present in population databases (gnomAD no frequency). This variant has not been reported in the literature in individuals affected with ROGDI-related conditions. Algorithms developed to predict the effect of sequence changes on RNA splicing suggest that this variant may create or strengthen a splice site. In summary, the available evidence is currently insufficient to determine the role of this variant in disease. Therefore, it has been classified as a Variant of Uncertain Significance.